The following is an entry in ClinVar:

NM_014055.4(IFT81):c.1557+1G>C

Gene: IFT81 (intraflagellar transport 81; plus strand). Cytogenetic location: 12q24.11.
Variant type: single nucleotide variant.
Coding change: c.1557+1G>C on transcript NM_014055.4 (MANE Select); the canonical splice donor site of the intron after coding-DNA position 1557, G replaced by C.
Molecular consequence: splice donor variant.
Genome position (GRCh38, 1-based): chr12:110,192,707, G>C. VCF-style: chr12-110192707-G-C. GRCh37 (hg19) VCF-style: chr12-110630512-G-C.
Other names: c.627+1G>C (NM_001347948.2, NM_001347947.2); c.1557+1G>C (NM_001143779.2).
Identifiers: ClinVar variation 4805435 (VCV004805435.1).

ClinVar aggregate classification (germline): Likely pathogenic (1 of 4 stars; one submission).

Submission:

Labcorp Genetics (formerly Invitae), Labcorp
Classification: Likely pathogenic. Last evaluated: 2025-08-26. Review status: criteria provided, single submitter. Criteria: Invitae Variant Classification Sherloc (09022015). Collection method: clinical testing. Allele origin: germline.
Comment: This sequence change affects a donor splice site in intron 14 of the IFT81 gene. It is expected to disrupt RNA splicing. Variants that disrupt the donor or acceptor splice site typically lead to a loss of protein function (PMID: 16199547), and loss-of-function variants in IFT81 are known to be pathogenic (PMID: 26275418, 27666822). This variant is not present in population databases (gnomAD no frequency). This variant has not been reported in the literature in individuals affected with IFT81-related conditions. Algorithms developed to predict the effect of sequence changes on RNA splicing suggest that this variant may disrupt the consensus splice site. In summary, the currently available evidence indicates that the variant is pathogenic, but additional data are needed to prove that conclusively. Therefore, this variant has been classified as Likely Pathogenic.

Literature cited by the submitters: PubMed 16199547; PubMed 26275418; PubMed 27666822.